The following is an entry in ClinVar:

ClinVar aggregate classification (germline): Uncertain significance (1 of 4 stars; one submission).

Submission:

Labcorp Genetics (formerly Invitae), Labcorp
Classification: Uncertain significance. Last evaluated: 2022-11-02. Review status: criteria provided, single submitter. Criteria: Invitae Variant Classification Sherloc (09022015). Collection method: clinical testing. Allele origin: germline.
Comment: This sequence change replaces proline, which is neutral and non-polar, with arginine, which is basic and polar, at codon 491 of the COL10A1 protein (p.Pro491Arg). This variant is not present in population databases (gnomAD no frequency). This variant has not been reported in the literature in individuals affected with COL10A1-related conditions. In summary, the available evidence is currently insufficient to determine the role of this variant in disease. Therefore, it has been classified as a Variant of Uncertain Significance. Advanced modeling of protein sequence and biophysical properties (such as structural, functional, and spatial information, amino acid conservation, physicochemical variation, residue mobility, and thermodynamic stability) has been performed at Invitae for this missense variant, however the output from this modeling did not meet the statistical confidence thresholds required to predict the impact of this variant on COL10A1 protein function.

NM_000493.4(COL10A1):c.1472C>G (p.Pro491Arg)

Genes: COL10A1 (collagen type X alpha 1 chain; minus strand), NT5DC1 (5'-nucleotidase domain containing 1; plus strand). Cytogenetic location: 6q22.1.
Variant type: single nucleotide variant.
Coding change: c.1472C>G on transcript NM_000493.4 (MANE Select); coding-DNA position 1472, C replaced by G.
Protein change: p.Pro491Arg; replaces proline 491 with arginine.
Molecular consequence: missense variant. On other transcripts: intron variant (1).
Genome position (GRCh38, 1-based): chr6:116,120,644, G>C on the plus strand (C>G on the coding strand, the complement: COL10A1 is on the minus strand). VCF-style: chr6-116120644-G-C. GRCh37 (hg19) VCF-style: chr6-116441807-G-C.
Other names: c.1472C>G, p.Pro491Arg (NM_001424106.1, NM_001424107.1); c.529+2699G>C (NM_152729.3); short protein forms P491R.
Identifiers: ClinVar variation 2811471 (VCV002811471.3), dbSNP rs1304322239, ClinGen allele CA365387953.
Genomic context (GRCh38, chr6:116,120,644, plus strand): 5'-CCAGGGGGCCCTGGAAGACCAGGCTCTCCAGAGTGGCCTCTTGGACCTGGAGGCCCTGGT[G>C]GCCCGGTGGGTCCATTGAGGCCCTTAGTTGCTATGCCAGCTGGGCCAGGAGGACCGGGAC-3'
Protein context (NP_000484.2, residues 481-501): ATKGLNGPTG[Pro491Arg]PGPPGPRGHS